The following is an entry in ClinVar:

ClinVar aggregate classification (germline): Benign. Review status: criteria provided, multiple submitters, no conflicts (2 of 4 stars). 2 submissions from 2 submitters: Benign (2). Last evaluated 2026-09-01.

Allele frequency attached by ClinVar (database versions not stated): TOPMed 0.01397; gnomAD 0.01440 and 0.01442; ESP Exome Variant Server 0.01442; 1000 Genomes Project 0.01458; gnomAD exomes 0.01461 and 0.01657; ExAC 0.01468; 1000 Genomes Project 30x 0.01483.
gnomAD v4.1: 26,344 of 1,613,910 alleles (1.6%); highest among the groups gnomAD compares: Middle Eastern, 2.8%; 258 homozygotes.

Submissions (2):

CeGaT Center for Human Genetics Tuebingen
Classification: Benign. Last evaluated: 2026-09-01. Review status: criteria provided, single submitter. Criteria: CeGaT Center For Human Genetics Tuebingen Variant Classification Criteria Version 2. Collection method: clinical testing. Allele origin: germline. Affected: yes. Observed: 6 variant alleles.
Comment: TBC1D32: BP4, BS1, BS2

Labcorp Genetics (formerly Invitae), Labcorp
Classification: Benign. Last evaluated: 2026-01-28. Review status: criteria provided, single submitter. Criteria: Invitae Variant Classification Sherloc (09022015). Collection method: clinical testing. Allele origin: germline.

NM_152730.6(TBC1D32):c.3695A>C (p.Glu1232Ala)

Gene: TBC1D32 (TBC1 domain family member 32; minus strand). Cytogenetic location: 6q22.31.
Variant type: single nucleotide variant.
Coding change: c.3695A>C on transcript NM_152730.6 (MANE Select); coding-DNA position 3695, A replaced by C.
Protein change: p.Glu1232Ala; replaces glutamic acid 1232 with alanine.
Molecular consequence: missense variant. On other transcripts: non-coding transcript variant (1).
Genome position (GRCh38, 1-based): chr6:121,080,850, T>G on the plus strand (A>C on the coding strand, the complement: TBC1D32 is on the minus strand). VCF-style: chr6-121080850-T-G. GRCh37 (hg19) VCF-style: chr6-121401996-T-G.
Other names: c.3818A>C, p.Glu1273Ala (NM_001367759.1, NM_001367760.1); short protein forms E1232A, E1273A.
Identifiers: ClinVar variation 1541792 (VCV001541792.18), dbSNP rs56300302, ClinGen allele CA3980365.